The following is an entry in ClinVar:

NM_016169.4(SUFU):c.1038C>G (p.Ser346Arg)

Gene: SUFU (SUFU negative regulator of hedgehog signaling; plus strand). Cytogenetic location: 10q24.32.
Variant type: single nucleotide variant.
Coding change: c.1038C>G on transcript NM_016169.4 (MANE Select); coding-DNA position 1038, C replaced by G.
Protein change: p.Ser346Arg; replaces serine 346 with arginine.
Molecular consequence: missense variant.
Genome position (GRCh38, 1-based): chr10:102,615,283, C>G. VCF-style: chr10-102615283-C-G. GRCh37 (hg19) VCF-style: chr10-104375040-C-G.
Other names: c.1038C>G, p.Ser346Arg (NM_001178133.2); short protein forms S346R.
Identifiers: ClinVar variation 2566874 (VCV002566874.2), dbSNP rs2135929815, ClinGen allele CA377913667.

ClinVar aggregate classification (germline): Uncertain significance (1 of 4 stars; one submission).

Conditions:
Hereditary cancer-predisposing syndrome. Also called: Hereditary neoplastic syndrome; Hereditary Cancer Syndrome; Neoplastic Syndromes, Hereditary; Tumor predisposition. Identifiers: Orphanet 140162, MedGen C0027672, MeSH D009386, MONDO:0015356.

Submission:

Ambry Genetics
Classification: Uncertain significance for Hereditary cancer-predisposing syndrome. Last evaluated: 2023-04-11. Review status: criteria provided, single submitter. Criteria: Ambry Variant Classification Scheme 2023. Collection method: clinical testing. Allele origin: germline.
Comment: The p.S346R variant (also known as c.1038C>G), located in coding exon 9 of the SUFU gene, results from a C to G substitution at nucleotide position 1038. The serine at codon 346 is replaced by arginine, an amino acid with dissimilar properties. This amino acid position is highly conserved in available vertebrate species. In addition, the in silico prediction for this alteration is inconclusive. Since supporting evidence is limited at this time, the clinical significance of this alteration remains unclear.